The following is an entry in ClinVar:

NM_199420.4(POLQ):c.2891A>C (p.Glu964Ala)

Gene: POLQ (DNA polymerase theta; minus strand). Cytogenetic location: 3q13.33.
Variant type: single nucleotide variant.
Coding change: c.2891A>C on transcript NM_199420.4 (MANE Select); coding-DNA position 2891, A replaced by C.
Protein change: p.Glu964Ala; replaces glutamic acid 964 with alanine.
Molecular consequence: missense variant.
Genome position (GRCh38, 1-based): chr3:121,490,040, T>G on the plus strand (A>C on the coding strand, the complement: POLQ is on the minus strand). VCF-style: chr3-121490040-T-G. GRCh37 (hg19) VCF-style: chr3-121208887-T-G.
Other names: short protein forms E964A.
Identifiers: ClinVar variation 780030 (VCV000780030.7), dbSNP rs3218633, ClinGen allele CA2563164.

ClinVar aggregate classification (germline): Benign. Review status: criteria provided, multiple submitters, no conflicts (2 of 4 stars). 4 submissions from 4 submitters: Benign (2). 2 of the submissions do not count toward it. Last evaluated 2018-07-31.

Conditions:
POLQ-related disorder. Also called: POLQ-related condition.

Allele frequency attached by ClinVar (database versions not stated): 1000 Genomes Project 30x 0.00406; gnomAD 0.00436 and 0.00467; gnomAD exomes 0.00636 and 0.00572; 1000 Genomes Project 0.00399; ExAC 0.00597; TOPMed 0.00490; ESP Exome Variant Server 0.00500.
gnomAD v4.1: 9,811 of 1,573,776 alleles (0.62%); highest among the groups gnomAD compares: South Asian, 1.2%; 61 homozygotes.

Submissions (4):

Labcorp Genetics (formerly Invitae), Labcorp
Classification: Benign. Last evaluated: 2018-07-31. Review status: criteria provided, single submitter. Criteria: Invitae Variant Classification Sherloc (09022015). Collection method: clinical testing. Allele origin: germline.

Breakthrough Genomics
Classification: Benign. Review status: criteria provided, single submitter. Criteria: ACMG Guidelines, 2015. Collection method: not provided. Allele origin: germline. Inheritance: Unknown mechanism. Affected: yes.

PreventionGenetics, part of Exact Sciences
Classification: Benign for POLQ-related condition. Last evaluated: 2019-03-06. Review status: no assertion criteria provided. Collection method: clinical testing. Allele origin: germline. Not counted in ClinVar's aggregate classification.
Comment: This variant is classified as benign based on ACMG/AMP sequence variant interpretation guidelines (Richards et al. 2015 PMID: 25741868, with internal and published modifications).

Department of Pathology and Laboratory Medicine, Sinai Health System
Classification: Benign. Review status: no assertion criteria provided. Collection method: clinical testing. Allele origin: unknown. Affected: yes. Study: The Canadian Open Genetics Repository (COGR). Not counted in ClinVar's aggregate classification.
Comment: The POLQ p.Glu964Ala variant was not identified in the literature nor was it identified in ClinVar, Cosmic or LOVD 3.0. The variant was identified in dbSNP (ID: rs3218633) and in control databases in 1315 of 246096 chromosomes (10 homozygous) at a frequency of 0.005343 increasing the likelihood this could be a low frequency benign variant (Genome Aggregation Database March 6, 2019, v2.1.1). The variant was observed in the following populations: Ashkenazi Jewish in 165 of 7666 chromosomes (freq: 0.02152), South Asian in 229 of 21770 chromosomes (freq: 0.01052), Other in 41 of 6156 chromosomes (freq: 0.00666), European (non-Finnish) in 710 of 117516 chromosomes (freq: 0.006042), Latino in 131 of 27578 chromosomes (freq: 0.00475), African in 22 of 24316 chromosomes (freq: 0.000905) and European (Finnish) in 17 of 22968 chromosomes (freq: 0.00074), but was not observed in the East Asian population. The p.Glu964 residue is not conserved in mammals and four out of five computational analyses (PolyPhen-2, SIFT, AlignGVGD, BLOSUM, MutationTaster) do not suggest a high likelihood of impact to the protein; however, this information is not predictive enough to rule out pathogenicity. The variant occurs outside of the splicing consensus sequence and in silico or computational prediction software programs (SpliceSiteFinder, MaxEntScan, NNSPLICE, GeneSplicer) do not predict a difference in splicing. In summary, based on the above information this variant meets our laboratory's criteria to be classified as benign.